The following is an entry in ClinVar:

NM_001384732.1(CPLANE1):c.8896_8897dup (p.Leu2966fs)

Gene: CPLANE1 (ciliogenesis and planar polarity effector complex subunit 1; minus strand). Cytogenetic location: 5p13.2.
Variant type: Duplication.
Coding change: c.8896_8897dup on transcript NM_001384732.1 (MANE Select); coding-DNA positions 8896 to 8897, 2 bases duplicated (TT; older notation c.8896_8897dupTT).
Protein change: p.Leu2966fs; shifts the reading frame from leucine 2966.
Molecular consequence: frameshift variant.
Genome position (GRCh38, 1-based): chr5:37,125,305-37,125,306, AA duplicated on the plus strand (TT on the coding strand, the reverse complement: CPLANE1 is on the minus strand). VCF-style (leftmost placement, unchanged base first): chr5-37125304-T-TAA. GRCh37 (hg19) VCF-style: chr5-37125406-T-TAA.
Other names: c.8734_8735dup, p.Leu2912fs (NM_023073.4); short protein forms L2966fs, L2912fs.
Identifiers: ClinVar variation 4705375 (VCV004705375.1).

ClinVar aggregate classification (germline): Pathogenic (1 of 4 stars; one submission).

Submission:

Labcorp Genetics (formerly Invitae), Labcorp
Classification: Pathogenic. Last evaluated: 2026-01-14. Review status: criteria provided, single submitter. Criteria: Invitae Variant Classification Sherloc (09022015). Collection method: clinical testing. Allele origin: germline.
Comment: This sequence change creates a premature translational stop signal (p.Leu2912delinsPhe*) in the CPLANE1 gene. It is expected to result in an absent or disrupted protein product. Loss-of-function variants in CPLANE1 are known to be pathogenic (PMID: 24178751, 26092869). This variant is not present in population databases (gnomAD no frequency). This variant has not been reported in the literature in individuals affected with CPLANE1-related conditions. For these reasons, this variant has been classified as Pathogenic.

Literature cited by the submitters: PubMed 24178751; PubMed 26092869.